The following is an entry in ClinVar:

ClinVar aggregate classification (germline): Uncertain significance (1 of 4 stars; one submission).

Allele frequency attached by ClinVar (database versions not stated): TOPMed below 0.00001; gnomAD 0.00001.
gnomAD v4.1: 1 of 1,511,376 alleles (0.000066%); highest among the groups gnomAD compares: Admixed American, 0.002%; no homozygotes.

Submission:

Labcorp Genetics (formerly Invitae), Labcorp
Classification: Uncertain significance. Last evaluated: 2023-12-31. Review status: criteria provided, single submitter. Criteria: Invitae Variant Classification Sherloc (09022015). Collection method: clinical testing. Allele origin: germline.
Comment: This sequence change replaces cysteine, which is neutral and slightly polar, with tyrosine, which is neutral and polar, at codon 2270 of the CACNA1E protein (p.Cys2270Tyr). This variant is not present in population databases (gnomAD no frequency). This variant has not been reported in the literature in individuals affected with CACNA1E-related conditions. Advanced modeling of protein sequence and biophysical properties (such as structural, functional, and spatial information, amino acid conservation, physicochemical variation, residue mobility, and thermodynamic stability) has been performed at Invitae for this missense variant, however the output from this modeling did not meet the statistical confidence thresholds required to predict the impact of this variant on CACNA1E protein function. In summary, the available evidence is currently insufficient to determine the role of this variant in disease. Therefore, it has been classified as a Variant of Uncertain Significance.

NM_001205293.3(CACNA1E):c.6938G>A (p.Cys2313Tyr)

Gene: CACNA1E (calcium voltage-gated channel subunit alpha1 E; plus strand). Cytogenetic location: 1q25.3.
Variant type: single nucleotide variant.
Coding change: c.6938G>A on transcript NM_001205293.3 (MANE Select); coding-DNA position 6938, G replaced by A.
Protein change: p.Cys2313Tyr; replaces cysteine 2313 with tyrosine.
Molecular consequence: missense variant.
Genome position (GRCh38, 1-based): chr1:181,798,830, G>A. VCF-style: chr1-181798830-G-A. GRCh37 (hg19) VCF-style: chr1-181767966-G-A.
Other names: c.6752G>A, p.Cys2251Tyr (NM_001205294.2); c.6809G>A, p.Cys2270Tyr (NM_000721.4); short protein forms C2313Y, C2251Y, C2270Y.
Identifiers: ClinVar variation 2782838 (VCV002782838.3), dbSNP rs1662054195, ClinGen allele CA343846079.